The following is an entry in ClinVar:

NM_001365536.1(SCN9A):c.2020C>T (p.Leu674Phe)

Genes: SCN9A (sodium voltage-gated channel alpha subunit 9; minus strand), SCN1A-AS1 (SCN1A and SCN9A antisense RNA 1; plus strand). Cytogenetic location: 2q24.3.
Variant type: single nucleotide variant.
Coding change: c.2020C>T on transcript NM_001365536.1 (MANE Select); coding-DNA position 2020, C replaced by T.
Protein change: p.Leu674Phe; replaces leucine 674 with phenylalanine.
Molecular consequence: missense variant.
Genome position (GRCh38, 1-based): chr2:166,281,763, G>A on the plus strand (C>T on the coding strand, the complement: SCN9A is on the minus strand). VCF-style: chr2-166281763-G-A. GRCh37 (hg19) VCF-style: chr2-167138273-G-A.
Other names: c.1987C>T, p.Leu663Phe (NM_002977.4); short protein forms L663F, L674F.
Identifiers: ClinVar variation 1375679 (VCV001375679.6), dbSNP rs530831139, ClinGen allele CA1944356.

ClinVar aggregate classification (germline): Uncertain significance (1 of 4 stars; one submission).

Conditions:
Generalized epilepsy with febrile seizures plus, type 7 (GEFSP7). Also called: GEFS+, TYPE 7. Identifiers: Orphanet 36387, MedGen C2751778, MONDO:0013470, OMIM 613863.
Neuropathy, hereditary sensory and autonomic, type 2A (HSAN2A). Also called: NEUROPATHY, CONGENITAL SENSORY; NEUROPATHY, HEREDITARY SENSORY RADICULAR, AUTOSOMAL RECESSIVE; NEUROPATHY, HEREDITARY SENSORY, TYPE IIA; NEUROPATHY, PROGRESSIVE SENSORY, OF CHILDREN; HSAN IIA; MORVAN DISEASE. Identifiers: Orphanet 970, MedGen C2752089, MONDO:0024309, OMIM 201300.

Allele frequency attached by ClinVar (database versions not stated): gnomAD exomes below 0.00001; TOPMed below 0.00001; ExAC 0.00001; gnomAD 0.00001; 1000 Genomes Project 0.00020; 1000 Genomes Project 30x 0.00031.
gnomAD v4.1: 1 of 1,613,162 alleles (0.000062%); highest among the groups gnomAD compares: African/African-American, 0.0013%; no homozygotes.

Submission:

Labcorp Genetics (formerly Invitae), Labcorp
Classification: Uncertain significance for Neuropathy, hereditary sensory and autonomic, type 2A; Generalized epilepsy with febrile seizures plus, type 7. Last evaluated: 2023-09-13. Review status: criteria provided, single submitter. Criteria: Invitae Variant Classification Sherloc (09022015). Collection method: clinical testing. Allele origin: germline.
Comment: This sequence change replaces leucine, which is neutral and non-polar, with phenylalanine, which is neutral and non-polar, at codon 663 of the SCN9A protein (p.Leu663Phe). This variant is present in population databases (rs530831139, gnomAD 0.007%). This variant has not been reported in the literature in individuals affected with SCN9A-related conditions. ClinVar contains an entry for this variant (Variation ID: 1375679). Advanced modeling of protein sequence and biophysical properties (such as structural, functional, and spatial information, amino acid conservation, physicochemical variation, residue mobility, and thermodynamic stability) performed at Invitae indicates that this missense variant is not expected to disrupt SCN9A protein function. In summary, the available evidence is currently insufficient to determine the role of this variant in disease. Therefore, it has been classified as a Variant of Uncertain Significance.